The following is an entry in ClinVar:

ClinVar aggregate classification (germline): Benign/Likely benign. Review status: criteria provided, multiple submitters, no conflicts (2 of 4 stars). 4 submissions from 4 submitters: Benign (3); Likely benign (1). Last evaluated 2026-02-03.

Conditions:
Hereditary hyperekplexia. Identifiers: Orphanet 3197, MedGen C4084968, MONDO:0021022.
Hyperekplexia 1 (STHE). Also called: KOK DISEASE; STARTLE DISEASE, FAMILIAL; STIFF-BABY SYNDROME; STIFF-MAN SYNDROME, CONGENITAL; STIFF-PERSON SYNDROME, CONGENITAL; HYPEREKPLEXIA 1, AUTOSOMAL DOMINANT. Identifiers: Orphanet 3197, MedGen C4551954, MONDO:0007868, OMIM 149400.

Allele frequency attached by ClinVar (database versions not stated): gnomAD exomes 0.00036 and 0.00107; ExAC 0.00144; gnomAD 0.00414 and 0.00430; TOPMed 0.00439; 1000 Genomes Project 0.00499; ESP Exome Variant Server 0.00523; 1000 Genomes Project 30x 0.00671.
gnomAD v4.1: 1,175 of 1,613,588 alleles (0.073%); highest among the groups gnomAD compares: African/African-American, 1.4%; 8 homozygotes.

Submissions (4):

Labcorp Genetics (formerly Invitae), Labcorp
Classification: Benign for Hereditary hyperekplexia. Last evaluated: 2026-02-03. Review status: criteria provided, single submitter. Criteria: Invitae Variant Classification Sherloc (09022015). Collection method: clinical testing. Allele origin: germline.

Blueprint Genetics
Classification: Likely benign. Last evaluated: 2024-06-05. Review status: criteria provided, single submitter. Criteria: ACMG Guidelines, 2015. Collection method: clinical testing. Allele origin: germline.

GeneDx
Classification: Benign. Last evaluated: 2021-05-05. Review status: criteria provided, single submitter. Criteria: GeneDx Variant Classification Process June 2021. Collection method: clinical testing. Allele origin: germline. Affected: yes.

Illumina Laboratory Services, Illumina
Classification: Benign for Hyperekplexia 1. Last evaluated: 2018-01-12. Review status: criteria provided, single submitter. Criteria: ICSL Variant Classification Criteria 13 December 2019. Collection method: clinical testing. Allele origin: germline.
Comment: This variant was observed in the ICSL laboratory as part of a predisposition screen in an ostensibly healthy population. It had not been previously curated by ICSL or reported in the Human Gene Mutation Database (HGMD: prior to June 1st, 2018), and was therefore a candidate for classification through an automated scoring system. Utilizing variant allele frequency, disease prevalence and penetrance estimates, and inheritance mode, an automated score was calculated to assess if this variant is too frequent to cause the disease. Based on the score and internal cut-off values, a variant classified as benign is not then subjected to further curation. The score for this variant resulted in a classification of benign for this disease.

NM_000171.4(GLRA1):c.723G>C (p.Arg241=)

Gene: GLRA1 (glycine receptor alpha 1; minus strand). Cytogenetic location: 5q33.1.
Variant type: single nucleotide variant.
Coding change: c.723G>C on transcript NM_000171.4 (MANE Select); coding-DNA position 723, G replaced by C.
Protein change: p.Arg241=; no amino-acid change (arginine 241 retained).
Molecular consequence: synonymous variant.
Genome position (GRCh38, 1-based): chr5:151,851,579, C>G on the plus strand (G>C on the coding strand, the complement: GLRA1 is on the minus strand). VCF-style: chr5-151851579-C-G. GRCh37 (hg19) VCF-style: chr5-151231140-C-G.
Other names: c.723G>C, p.Arg241= (NM_001146040.2); c.474G>C, p.Arg158= (NM_001292000.2).
Identifiers: ClinVar variation 352312 (VCV000352312.19), dbSNP rs76872663, ClinGen allele CA3523604.